The following is an entry in ClinVar:

NM_003001.5(SDHC):c.14T>A (p.Leu5Ter)

Gene: SDHC (succinate dehydrogenase complex subunit C; plus strand). Cytogenetic location: 1q23.3.
Variant type: single nucleotide variant.
Coding change: c.14T>A on transcript NM_003001.5 (MANE Select); coding-DNA position 14, T replaced by A.
Protein change: p.Leu5Ter; replaces leucine 5 with a stop codon.
Molecular consequence: nonsense. On other transcripts: 5 prime UTR variant (2), non-coding transcript variant (1).
Genome position (GRCh38, 1-based): chr1:161,314,419, T>A. VCF-style: chr1-161314419-T-A. GRCh37 (hg19) VCF-style: chr1-161284209-T-A.
Other names: c.14T>A, p.Leu5Ter (NM_001035511.3, NM_001035512.3, NM_001035513.3 and 6 more transcripts); c.-547T>A (NM_001407119.1); c.-216T>A (NM_001407120.1); short protein forms L5*.
Identifiers: ClinVar variation 4847397 (VCV004847397.1).

ClinVar aggregate classification (germline): Pathogenic (1 of 4 stars; one submission).

Conditions:
Hereditary pheochromocytoma and paraganglioma. Also called: Hereditary Paraganglioma-Pheochromocytoma Syndromes; Hereditary paragangliomas and pheochromocytomas; Hereditary pheochromocytoma-paraganglioma. Identifiers: Orphanet 29072, MedGen C4274332, MONDO:0017366.

Submission:

Women's Health and Genetics/Laboratory Corporation of America, LabCorp
Classification: Pathogenic for Hereditary pheochromocytoma and paraganglioma. Last evaluated: 2026-03-09. Review status: criteria provided, single submitter. Criteria: LabCorp Variant Classification Summary - May 2015. Collection method: clinical testing. Allele origin: germline.
Comment: Variant summary: SDHC c.14T>A (p.Leu5X) results in a premature termination codon, predicted to cause a truncation of the encoded protein or absence of the protein due to nonsense mediated decay, which are commonly known mechanisms for disease. The variant was absent in 251138 control chromosomes. To our knowledge, no occurrence of c.14T>A in individuals affected with SDHC-related conditions and no experimental evidence demonstrating its impact on protein function have been reported. No submitters have cited clinical-significance assessments for this variant to ClinVar. Based on the evidence outlined above, the variant was classified as pathogenic.